The following is an entry in ClinVar:

NM_004183.4(BEST1):c.809A>C (p.Asp270Ala)

Gene: BEST1 (bestrophin 1; plus strand). Cytogenetic location: 11q12.3.
Variant type: single nucleotide variant.
Coding change: c.809A>C on transcript NM_004183.4 (MANE Select); coding-DNA position 809, A replaced by C.
Protein change: p.Asp270Ala; replaces aspartic acid 270 with alanine.
Molecular consequence: missense variant. On other transcripts: non-coding transcript variant (1).
Genome position (GRCh38, 1-based): chr11:61,958,240, A>C. VCF-style: chr11-61958240-A-C. GRCh37 (hg19) VCF-style: chr11-61725712-A-C.
Other names: c.629A>C, p.Asp210Ala (NM_001139443.3, NM_001300786.2, NM_001300787.2); c.491A>C, p.Asp164Ala (NM_001363591.3); c.809A>C, p.Asp270Ala (NM_001363592.2); c.-367A>C (NM_001363593.3); short protein forms D164A, D210A, D270A.
Identifiers: ClinVar variation 999530 (VCV000999530.10), dbSNP rs747841550, ClinGen allele CA6040857.

ClinVar aggregate classification (germline): Uncertain significance (1 of 4 stars; one submission).

Allele frequency attached by ClinVar (database versions not stated): gnomAD exomes 0.00001 and 0.00003; ExAC 0.00005.
gnomAD v4.1: 6 of 1,614,096 alleles (0.00037%); highest among the groups gnomAD compares: Admixed American, 0.01%; no homozygotes.

Submission:

Labcorp Genetics (formerly Invitae), Labcorp
Classification: Uncertain significance. Last evaluated: 2022-03-19. Review status: criteria provided, single submitter. Criteria: Invitae Variant Classification Sherloc (09022015). Collection method: clinical testing. Allele origin: germline.
Comment: In summary, the available evidence is currently insufficient to determine the role of this variant in disease. Therefore, it has been classified as a Variant of Uncertain Significance. Advanced modeling of protein sequence and biophysical properties (such as structural, functional, and spatial information, amino acid conservation, physicochemical variation, residue mobility, and thermodynamic stability) performed at Invitae indicates that this missense variant is expected to disrupt BEST1 protein function. ClinVar contains an entry for this variant (Variation ID: 999530). This variant has not been reported in the literature in individuals affected with BEST1-related conditions. This variant is present in population databases (rs747841550, gnomAD 0.02%). This sequence change replaces aspartic acid, which is acidic and polar, with alanine, which is neutral and non-polar, at codon 270 of the BEST1 protein (p.Asp270Ala).